The following is an entry in ClinVar:

NM_006662.3(SRCAP):c.6040C>T (p.Leu2014Phe)

Gene: SRCAP (Snf2 related CREBBP activator protein; plus strand). Cytogenetic location: 16p11.2.
Variant type: single nucleotide variant.
Coding change: c.6040C>T on transcript NM_006662.3 (MANE Select); coding-DNA position 6040, C replaced by T.
Protein change: p.Leu2014Phe; replaces leucine 2014 with phenylalanine.
Molecular consequence: missense variant.
Genome position (GRCh38, 1-based): chr16:30,729,485, C>T. VCF-style: chr16-30729485-C-T. GRCh37 (hg19) VCF-style: chr16-30740806-C-T.
Other names: short protein forms L2014F.
Identifiers: ClinVar variation 2159214 (VCV002159214.4), dbSNP rs770571920, ClinGen allele CA8012131.
Genomic context (GRCh38, chr16:30,729,485, plus strand): 5'-CACCCACCTCCTTGGCTGGCCCCACGTCAGGCAGCCTTCCAGGAGCAATTGGCCTCTGAG[C>T]TCTGGCCCCGGGCTCGTCCTTTGCACCGTATTGTGTGTAACATGCGCACCCAGTTCCCTG-3'
Protein context (NP_006653.2, residues 2004-2024): AAFQEQLASE[Leu2014Phe]WPRARPLHRI

ClinVar aggregate classification (germline): Uncertain significance (1 of 4 stars; one submission).

Allele frequency attached by ClinVar (database versions not stated): gnomAD exomes below 0.00001; ExAC 0.00002.
gnomAD v4.1: 4 of 1,614,200 alleles (0.00025%); highest among the groups gnomAD compares: South Asian, 0.0033%; no homozygotes.

Submission:

Labcorp Genetics (formerly Invitae), Labcorp
Classification: Uncertain significance. Last evaluated: 2022-04-26. Review status: criteria provided, single submitter. Criteria: Invitae Variant Classification Sherloc (09022015). Collection method: clinical testing. Allele origin: germline.
Comment: This sequence change replaces leucine, which is neutral and non-polar, with phenylalanine, which is neutral and non-polar, at codon 2014 of the SRCAP protein (p.Leu2014Phe). In summary, the available evidence is currently insufficient to determine the role of this variant in disease. Therefore, it has been classified as a Variant of Uncertain Significance. Algorithms developed to predict the effect of missense changes on protein structure and function are either unavailable or do not agree on the potential impact of this missense change (SIFT: "Deleterious"; PolyPhen-2: "Probably Damaging"; Align-GVGD: "Class C15"). This variant has not been reported in the literature in individuals affected with SRCAP-related conditions. This variant is present in population databases (rs770571920, gnomAD 0.006%).